The following is an entry in ClinVar:

NM_001127222.2(CACNA1A):c.3532C>A (p.Leu1178Ile)

Gene: CACNA1A (calcium voltage-gated channel subunit alpha1 A; minus strand). Cytogenetic location: 19p13.13.
Variant type: single nucleotide variant.
Coding change: c.3532C>A on transcript NM_001127222.2 (MANE Select); coding-DNA position 3532, C replaced by A.
Protein change: p.Leu1178Ile; replaces leucine 1178 with isoleucine.
Molecular consequence: missense variant.
Genome position (GRCh38, 1-based): chr19:13,286,524, G>T on the plus strand (C>A on the coding strand, the complement: CACNA1A is on the minus strand). VCF-style: chr19-13286524-G-T. GRCh37 (hg19) VCF-style: chr19-13397338-G-T.
Other names: c.3544C>A, p.Leu1182Ile (NM_000068.4, NM_023035.3); c.3535C>A, p.Leu1179Ile (NM_001127221.2, NM_001174080.2); short protein forms L1179I, L1182I, L1178I.
Identifiers: ClinVar variation 585564 (VCV000585564.10), dbSNP rs556266465, ClinGen allele CA9240293.

ClinVar aggregate classification (germline): Conflicting classifications of pathogenicity. Review status: criteria provided, conflicting classifications (1 of 4 stars). 4 submissions from 4 submitters: Uncertain significance (3); Likely benign (1). Last evaluated 2025-05-14.

Conditions:
Inborn genetic diseases. Identifiers: MedGen C0950123, MeSH D030342.
Episodic ataxia type 2 (EA2). Also called: ACETAZOLAMIDE-RESPONSIVE HEREDITARY PAROXYSMAL CEREBELLAR ATAXIA; CEREBELLAR ATAXIA, PAROXYSMAL, ACETAZOLAMIDE-RESPONSIVE; CEREBELLOPATHY, HEREDITARY PAROXYSMAL; EPISODIC ATAXIA, NYSTAGMUS-ASSOCIATED; ATAXIA, EPISODIC, WITH NYSTAGMUS; ATAXIA, FAMILIAL PAROXYSMAL. Identifiers: Orphanet 97, MedGen C1720416, MONDO:0007163, OMIM 108500.
Developmental and epileptic encephalopathy, 42 (DEE42A). Also called: DEVELOPMENTAL AND EPILEPTIC ENCEPHALOPATHY 42A; EPILEPTIC ENCEPHALOPATHY, EARLY INFANTILE, 42A; Epileptic encephalopathy, early infantile, 42. Identifiers: MedGen C4310716, MONDO:0014917, OMIM 617106.

Allele frequency attached by ClinVar (database versions not stated): TOPMed 0.00001.
gnomAD v4.1: 7 of 1,469,884 alleles (0.00048%); highest among the groups gnomAD compares: Middle Eastern, 0.018%; no homozygotes.

Submissions (4):

Ambry Genetics
Classification: Uncertain significance for Inborn genetic diseases. Last evaluated: 2025-05-14. Review status: criteria provided, single submitter. Criteria: Ambry Variant Classification Scheme 2023. Collection method: clinical testing. Allele origin: germline.

Labcorp Genetics (formerly Invitae), Labcorp
Classification: Likely benign for Developmental and epileptic encephalopathy, 42; Episodic ataxia type 2. Last evaluated: 2024-10-23. Review status: criteria provided, single submitter. Criteria: Invitae Variant Classification Sherloc (09022015). Collection method: clinical testing. Allele origin: germline.

GeneDx
Classification: Uncertain significance. Last evaluated: 2021-08-25. Review status: criteria provided, single submitter. Criteria: GeneDx Variant Classification Process June 2021. Collection method: clinical testing. Allele origin: germline. Affected: yes.
Comment: In silico analysis, which includes protein predictors and evolutionary conservation, supports that this variant does not alter protein structure/function; Has not been previously published as pathogenic or benign to our knowledge

Athena Diagnostics
Classification: Uncertain significance. Last evaluated: 2017-12-27. Review status: criteria provided, single submitter. Criteria: Athena Diagnostics Criteria. Collection method: clinical testing. Allele origin: germline.